The following is an entry in ClinVar:

ClinVar aggregate classification (germline): Pathogenic. Review status: criteria provided, multiple submitters, no conflicts (2 of 4 stars). 2 submissions from 2 submitters: Pathogenic (2). Last evaluated 2024-11-06.

Conditions:
Metachromatic leukodystrophy (MLD). Also called: ARSA DEFICIENCY; CEREBROSIDE SULFATASE DEFICIENCY; SULFATIDE LIPIDOSIS; METACHROMATIC LEUKOENCEPHALOPATHY; Arylsulfatase A Deficiency; Cerebral sclerosis diffuse metachromatic form. Identifiers: Orphanet 512, MedGen C0023522, MONDO:0018868, OMIM 250100.

Submissions (2):

Women's Health and Genetics/Laboratory Corporation of America, LabCorp
Classification: Pathogenic for Metachromatic leukodystrophy. Last evaluated: 2024-11-06. Review status: criteria provided, single submitter. Criteria: LabCorp Variant Classification Summary - May 2015. Collection method: clinical testing. Allele origin: germline.
Comment: Variant summary: ARSA c.302_303delinsTT (p.Gly101Val) results in a non-conservative amino acid change in the encoded protein sequence. The variant was absent in 195792 control chromosomes (gnomAD). A different variant resulting in the same amino acid change (c.302G>T, p.Gly101Val) has been reported in the literature in multiple individuals affected with Metachromatic Leukodystrophy (e.g. Gort_1999, Liaw_2015, Wang_2016, Abtahi_2022). These data indicate that the variant is very likely to be associated with disease. A different variant affecting this codon resulting in a different amino acid change has also been classified as pathogenic by our lab (c.302G>A, p.Gly101Asp), supporting the critical relevance of codon 101 to ARSA protein function. The following publications have been ascertained in the context of this evaluation (PMID: 10477432, 26553228, 27374302, 34554397). ClinVar contains an entry for this variant (Variation ID: 1455794). Based on the evidence outlined above, the variant was classified as pathogenic.

Labcorp Genetics (formerly Invitae), Labcorp
Classification: Pathogenic for Metachromatic leukodystrophy. Last evaluated: 2021-12-12. Review status: criteria provided, single submitter. Criteria: Invitae Variant Classification Sherloc (09022015). Collection method: clinical testing. Allele origin: germline.
Comment: For these reasons, this variant has been classified as Pathogenic. This variant disrupts the p.Gly101 amino acid residue in ARSA. Other variant(s) that disrupt this residue have been determined to be pathogenic (PMID: 1673291, 20890085, 26131420). This suggests that this residue is clinically significant, and that variants that disrupt this residue are likely to be disease-causing. Algorithms developed to predict the effect of missense changes on protein structure and function are either unavailable or do not agree on the potential impact of this missense change (SIFT: "Not Available"; PolyPhen-2: "Probably Damaging"; Align-GVGD: "Not Available"). A different variant (c.302G>T) giving rise to the same protein effect has been determined to be pathogenic (PMID: 10477432, 26553228, 27374302, 27779215, 30057904). This suggests that this variant is also likely to be causative of disease. Information on the frequency of this variant in the gnomAD database is not available, as this variant may be reported differently in the database. This sequence change replaces glycine, which is neutral and non-polar, with valine, which is neutral and non-polar, at codon 101 of the ARSA protein (p.Gly101Val).

Literature cited by the submitters: PubMed 10477432 (cited by Women's Health and Genetics/Laboratory Corporation of America, LabCorp and Labcorp Genetics (formerly Invitae), Labcorp); PubMed 26553228 (cited by Women's Health and Genetics/Laboratory Corporation of America, LabCorp and Labcorp Genetics (formerly Invitae), Labcorp); PubMed 27374302 (cited by Women's Health and Genetics/Laboratory Corporation of America, LabCorp and Labcorp Genetics (formerly Invitae), Labcorp); PubMed 34554397 (cited by Women's Health and Genetics/Laboratory Corporation of America, LabCorp); PubMed 1673291 (cited by Labcorp Genetics (formerly Invitae), Labcorp); PubMed 20890085 (cited by Labcorp Genetics (formerly Invitae), Labcorp); PubMed 26131420 (cited by Labcorp Genetics (formerly Invitae), Labcorp); PubMed 27779215 (cited by Labcorp Genetics (formerly Invitae), Labcorp); PubMed 30057904 (cited by Labcorp Genetics (formerly Invitae), Labcorp).

NM_000487.6(ARSA):c.302_303delinsTT (p.Gly101Val)

Gene: ARSA (arylsulfatase A; minus strand). Cytogenetic location: 22q13.33.
Variant type: Indel.
Coding change: c.302_303delinsTT on transcript NM_000487.6 (MANE Select); coding-DNA positions 302 to 303, GC replaced by TT.
Protein change: p.Gly101Val; replaces glycine 101 with valine.
Molecular consequence: missense variant.
Genome position (GRCh38, 1-based): chr22:50,627,328-50,627,329, GC replaced by AA on the plus strand (GC replaced by TT on the coding strand, the reverse complement: ARSA is on the minus strand). VCF-style: chr22-50627328-GC-AA. GRCh37 (hg19) VCF-style: chr22-51065756-GC-AA.
Other names: c.302_303delinsTT, p.Gly101Val (NM_001085425.3, NM_001085426.3, NM_001085427.3); c.44_45delinsTT, p.Gly15Val (NM_001085428.3, NM_001362782.2); short protein forms G101V, G15V.
Identifiers: ClinVar variation 1455794 (VCV001455794.7), dbSNP rs2146726223, ClinGen allele CA2573158322.